The following is an entry in ClinVar:

ClinVar aggregate classification (germline): Uncertain significance. Review status: criteria provided, multiple submitters, no conflicts (2 of 4 stars). 2 submissions from 2 submitters: Uncertain significance (2). Last evaluated 2025-01-13.

Conditions:
Cenani-Lenz syndactyly syndrome. Also called: SYNDACTYLY, TYPE VII; CENANI SYNDACTYLISM. Identifiers: Orphanet 3258, MedGen C1859309, MONDO:0008931, OMIM 212780.
Sclerosteosis 2 (SOST2). Identifiers: Orphanet 3152, MedGen C3280402, MONDO:0013679, OMIM 614305.
Congenital myasthenic syndrome 17. Identifiers: Orphanet 590, MedGen C4225377, MONDO:0014578, OMIM 616304.

Allele frequency attached by ClinVar (database versions not stated): TOPMed 0.00002.

Submissions (2):

Labcorp Genetics (formerly Invitae), Labcorp
Classification: Uncertain significance for Cenani-Lenz syndactyly syndrome; Sclerosteosis 2; Congenital myasthenic syndrome 17. Last evaluated: 2025-01-13. Review status: criteria provided, single submitter. Criteria: Invitae Variant Classification Sherloc (09022015). Collection method: clinical testing. Allele origin: germline.
Comment: This sequence change replaces arginine, which is basic and polar, with proline, which is neutral and non-polar, at codon 1709 of the LRP4 protein (p.Arg1709Pro). The frequency data for this variant in the population databases is considered unreliable, as metrics indicate poor data quality at this position in the gnomAD database. This variant has not been reported in the literature in individuals affected with LRP4-related conditions. ClinVar contains an entry for this variant (Variation ID: 657674). Invitae Evidence Modeling of protein sequence and biophysical properties (such as structural, functional, and spatial information, amino acid conservation, physicochemical variation, residue mobility, and thermodynamic stability) indicates that this missense variant is expected to disrupt LRP4 protein function with a positive predictive value of 80%. In summary, the available evidence is currently insufficient to determine the role of this variant in disease. Therefore, it has been classified as a Variant of Uncertain Significance.

Fulgent Genetics
Classification: Uncertain significance for Cenani-Lenz syndactyly syndrome; Sclerosteosis 2; Congenital myasthenic syndrome 17. Last evaluated: 2023-12-28. Review status: criteria provided, single submitter. Criteria: ACMG Guidelines, 2015. Collection method: clinical testing. Allele origin: germline.

NM_002334.4(LRP4):c.5126G>C (p.Arg1709Pro)

Genes: LRP4 (LDL receptor related protein 4; minus strand), LRP4-AS1 (LRP4 antisense RNA 1; plus strand). Cytogenetic location: 11p11.2.
Variant type: single nucleotide variant.
Coding change: c.5126G>C on transcript NM_002334.4 (MANE Select); coding-DNA position 5126, G replaced by C.
Protein change: p.Arg1709Pro; replaces arginine 1709 with proline.
Molecular consequence: missense variant.
Genome position (GRCh38, 1-based): chr11:46,865,148, C>G on the plus strand (G>C on the coding strand, the complement: LRP4 is on the minus strand). VCF-style: chr11-46865148-C-G. GRCh37 (hg19) VCF-style: chr11-46886699-C-G.
Other names: short protein forms R1709P.
Identifiers: ClinVar variation 657674 (VCV000657674.10), dbSNP rs560103351, ClinGen allele CA380261865.